The following is an entry in ClinVar:

ClinVar aggregate classification (germline): Uncertain significance (1 of 4 stars; one submission).

Conditions:
Primary ciliary dyskinesia. Also called: Ciliary dyskinesia. Identifiers: Orphanet 244, MedGen C0008780, MONDO:0016575, HP:0012265.

Submission:

Labcorp Genetics (formerly Invitae), Labcorp
Classification: Uncertain significance for Primary ciliary dyskinesia. Last evaluated: 2017-05-12. Review status: criteria provided, single submitter. Criteria: Invitae Variant Classification Sherloc (09022015). Collection method: clinical testing. Allele origin: germline.
Comment: Algorithms developed to predict the effect of missense changes on protein structure and function do not agree on the potential impact of this missense change (SIFT: "Tolerated"; PolyPhen-2: "Possibly Damaging"; Align-GVGD: "Class C0"). In summary, this variant is a novel missense change with uncertain impact on protein function. It has been classified as a Variant of Uncertain Significance. While this variant is not present in population databases, the frequency information is unreliable, as metrics indicate poor data quality at this position in the ExAC database. This variant has not been reported in the literature in individuals with a CCNO-related disease. This sequence change replaces proline with leucine at codon 126 of the CCNO protein (p.Pro126Leu). The proline residue is moderately conserved and there is a moderate physicochemical difference between proline and leucine.

NM_021147.5(CCNO):c.377C>T (p.Pro126Leu)

Gene: CCNO (cyclin O; minus strand). Cytogenetic location: 5q11.2.
Variant type: single nucleotide variant.
Coding change: c.377C>T on transcript NM_021147.5 (MANE Select); coding-DNA position 377, C replaced by T.
Protein change: p.Pro126Leu; replaces proline 126 with leucine.
Molecular consequence: missense variant. On other transcripts: non-coding transcript variant (2).
Genome position (GRCh38, 1-based): chr5:55,233,147, G>A on the plus strand (C>T on the coding strand, the complement: CCNO is on the minus strand). VCF-style: chr5-55233147-G-A. GRCh37 (hg19) VCF-style: chr5-54528975-G-A.
Other names: short protein forms P126L.
Identifiers: ClinVar variation 454916 (VCV000454916.9), dbSNP rs1554020059, ClinGen allele CA359723862.